The following is an entry in ClinVar:

ClinVar aggregate classification (germline): Uncertain significance (1 of 4 stars; one submission).

gnomAD v4.1: 1 of 1,614,098 alleles (0.000062%); highest among the groups gnomAD compares: Non-Finnish European, 0.000085%; no homozygotes.

Submission:

GeneDx
Classification: Uncertain significance. Last evaluated: 2024-01-31. Review status: criteria provided, single submitter. Criteria: GeneDx Variant Classification Process June 2021. Collection method: clinical testing. Allele origin: germline. Affected: yes.
Comment: Not observed at significant frequency in large population cohorts (gnomAD); In silico analysis supports that this missense variant has a deleterious effect on protein structure/function; Has not been previously published as pathogenic or benign to our knowledge

NM_006445.4(PRPF8):c.6208A>G (p.Lys2070Glu)

Gene: PRPF8 (pre-mRNA processing factor 8; minus strand). Cytogenetic location: 17p13.3.
Variant type: single nucleotide variant.
Coding change: c.6208A>G on transcript NM_006445.4 (MANE Select); coding-DNA position 6208, A replaced by G.
Protein change: p.Lys2070Glu; replaces lysine 2070 with glutamic acid.
Molecular consequence: missense variant.
Genome position (GRCh38, 1-based): chr17:1,653,796, T>C on the plus strand (A>G on the coding strand, the complement: PRPF8 is on the minus strand). VCF-style: chr17-1653796-T-C. GRCh37 (hg19) VCF-style: chr17-1557090-T-C.
Other names: short protein forms K2070E.
Identifiers: ClinVar variation 3368518 (VCV003368518.1).